The following is an entry in ClinVar:

ClinVar aggregate classification (germline): Uncertain significance (1 of 4 stars; one submission).

Submission:

Ambry Genetics
Classification: Uncertain significance. Last evaluated: 2022-10-21. Review status: criteria provided, single submitter. Criteria: Ambry Variant Classification Scheme 2023. Collection method: clinical testing. Allele origin: germline.
Comment: The p.F293V variant (also known as c.877T>G), located in coding exon 4 of the MNDA gene, results from a T to G substitution at nucleotide position 877. The phenylalanine at codon 293 is replaced by valine, an amino acid with highly similar properties. This amino acid position is conserved. In addition, this alteration is predicted to be tolerated by in silico analysis. Since supporting evidence is limited at this time, the clinical significance of this alteration remains unclear.

NM_002432.3(MNDA):c.877T>G (p.Phe293Val)

Gene: MNDA (myeloid cell nuclear differentiation antigen; plus strand). Cytogenetic location: 1q23.1.
Variant type: single nucleotide variant.
Coding change: c.877T>G on transcript NM_002432.3 (MANE Select); coding-DNA position 877, T replaced by G.
Protein change: p.Phe293Val; replaces phenylalanine 293 with valine.
Molecular consequence: missense variant.
Genome position (GRCh38, 1-based): chr1:158,845,893, T>G. VCF-style: chr1-158845893-T-G. GRCh37 (hg19) VCF-style: chr1-158815683-T-G.
Other names: short protein forms F293V.
Identifiers: ClinVar variation 1764641 (VCV001764641.2), dbSNP rs2526088144, ClinGen allele CA343042105.
Genomic context (GRCh38, chr1:158,845,893, plus strand): 5'-GAATGTAAAGGAGTAATGGAAATAAAGGAAGCATCATCTGTGTCTGACTTTAATCAAAAT[T>G]TTGAGGTCCCAAACAGAATTATCGAAATAGCAAATAAAACTCCCAAGATCAGTCAACTTT-3'
Protein context (NP_002423.1, residues 283-303): ASSVSDFNQN[Phe293Val]EVPNRIIEIA